The following is an entry in ClinVar:

NM_002878.4(RAD51D):c.82+9G>A

Genes: RAD51L3-RFFL (RAD51L3-RFFL readthrough; minus strand), RAD51D (RAD51 paralog D; minus strand). Cytogenetic location: 17q12.
Variant type: single nucleotide variant.
Coding change: c.82+9G>A on transcript NM_002878.4 (MANE Select); 9 bases into the intron after coding-DNA position 82, G replaced by A.
Molecular consequence: intron variant.
Genome position (GRCh38, 1-based): chr17:35,119,523, C>T on the plus strand (G>A on the coding strand, the complement: RAD51D is on the minus strand). VCF-style: chr17-35119523-C-T. GRCh37 (hg19) VCF-style: chr17-33446542-C-T.
Other names: c.82+9G>A (NM_133629.3, NM_001142571.2).
Identifiers: ClinVar variation 492448 (VCV000492448.12), dbSNP rs747267285, ClinGen allele CA8499696.
Genomic context (GRCh38, chr17:35,119,523, plus strand): 5'-CCAGCCCTCGGGGCCTGCCCAGGTTGTGCGAGGCCCGCGCGGCTCCCTGGCACGCGCACA[C>T]CCGGTCACCTGTCTTGATCCTGTGGCTCCTGAGAAGCTGGATCATCTCCTCGGTAAGGCC-3'

ClinVar aggregate classification (germline): Likely benign. Review status: criteria provided, multiple submitters, no conflicts (2 of 4 stars). 3 submissions from 3 submitters: Likely benign (3). Last evaluated 2025-02-20.

Conditions:
Breast-ovarian cancer, familial, susceptibility to, 4. Identifiers: Orphanet 145, MedGen C3280345, MONDO:0013669, OMIM 614291.
Hereditary cancer-predisposing syndrome. Also called: Hereditary neoplastic syndrome; Tumor predisposition; Hereditary Cancer Syndrome; Neoplastic Syndromes, Hereditary. Identifiers: Orphanet 140162, MedGen C0027672, MeSH D009386, MONDO:0015356.

Allele frequency attached by ClinVar (database versions not stated): gnomAD exomes below 0.00001 and 0.00001; ExAC 0.00001.
gnomAD v4.1: 4 of 1,611,078 alleles (0.00025%); highest among the groups gnomAD compares: South Asian, 0.0022%; no homozygotes.

Submissions (3):

Myriad Genetics, Inc.
Classification: Likely benign for Breast-ovarian cancer, familial, susceptibility to, 4. Last evaluated: 2025-02-20. Review status: criteria provided, single submitter. Criteria: Myriad Autosomal Dominant, Autosomal Recessive and X-Linked Classification Criteria (2023). Collection method: clinical testing. Allele origin: unknown.
Comment: This variant is considered likely benign. This variant is intronic and is not expected to impact mRNA splicing.

Labcorp Genetics (formerly Invitae), Labcorp
Classification: Likely benign for Breast-ovarian cancer, familial, susceptibility to, 4. Last evaluated: 2023-08-14. Review status: criteria provided, single submitter. Criteria: Invitae Variant Classification Sherloc (09022015). Collection method: clinical testing. Allele origin: germline.

Color Diagnostics, LLC DBA Color Health
Classification: Likely benign for Hereditary cancer-predisposing syndrome. Last evaluated: 2017-07-05. Review status: criteria provided, single submitter. Criteria: ACMG Guidelines, 2015. Collection method: clinical testing. Allele origin: germline.